The following is an entry in ClinVar:

ClinVar aggregate classification (germline): Conflicting classifications of pathogenicity. Review status: criteria provided, conflicting classifications (1 of 4 stars). 6 submissions from 4 submitters: Uncertain significance (2); Benign (3); Likely benign (1). Last evaluated 2023-05-01.

Conditions:
Hyperinsulinemic hypoglycemia, familial, 2. Also called: HYPERINSULINEMIC HYPOGLYCEMIA, PERSISTENT; HYPERINSULINISM, NEONATAL. Identifiers: Orphanet 276580, Orphanet 276603, MedGen C2931833, MONDO:0011153, OMIM 601820. Disease mechanism: loss of function.
Diabetes mellitus, transient neonatal, 3 (TNDM3). Identifiers: Orphanet 99886, MedGen C1864623, MONDO:0012522, OMIM 610582. Disease mechanism: loss of function.
Maturity-onset diabetes of the young type 13. Also called: MODY, TYPE 13. Identifiers: Orphanet 552, MedGen C4225365, MONDO:0014589, OMIM 616329.
Maturity-onset diabetes of the young (MODY). Also called: Maturity onset diabetes mellitus in young. Identifiers: Orphanet 552, MedGen C0342276, MONDO:0018911, HP:0004904.

Allele frequency attached by ClinVar (database versions not stated): 1000 Genomes Project 30x 0.00156; 1000 Genomes Project 0.00180; TOPMed 0.00532; gnomAD 0.00648 and 0.00683.

Submissions (6):

CeGaT Center for Human Genetics Tuebingen
Classification: Benign. Last evaluated: 2023-05-01. Review status: criteria provided, single submitter. Criteria: CeGaT Center For Human Genetics Tuebingen Variant Classification Criteria Version 2. Collection method: clinical testing. Allele origin: germline. Affected: yes. Observed: 4 variant alleles.
Comment: KCNJ11: BS1, BS2

GeneDx
Classification: Likely benign. Last evaluated: 2021-05-23. Review status: criteria provided, single submitter. Criteria: GeneDx Variant Classification Process June 2021. Collection method: clinical testing. Allele origin: germline. Affected: yes.
Comment: See Variant Classification Assertion Criteria.

Illumina Laboratory Services, Illumina
Classification: Uncertain significance for Hyperinsulinemic hypoglycemia, familial, 2. Last evaluated: 2017-04-27. Review status: criteria provided, single submitter. Criteria: ICSL Variant Classification Criteria 13 December 2019. Collection method: clinical testing. Allele origin: germline.

Illumina Laboratory Services, Illumina
Classification: Benign for Diabetes mellitus, transient neonatal, 3. Last evaluated: 2017-04-27. Review status: criteria provided, single submitter. Criteria: ICSL Variant Classification Criteria 13 December 2019. Collection method: clinical testing. Allele origin: germline.
Comment: This variant was observed as part of a predisposition screen in an ostensibly healthy population. A literature search was performed for the gene, cDNA change, and amino acid change (where applicable). No publications were found based on this search. Allele frequency data from public databases was too high to be consistent with this variant causing disease. Therefore, this variant is classified as benign.

Illumina Laboratory Services, Illumina
Classification: Benign for Maturity-onset diabetes of the young type 13. Last evaluated: 2017-04-27. Review status: criteria provided, single submitter. Criteria: ICSL Variant Classification Criteria 13 December 2019. Collection method: clinical testing. Allele origin: germline.
Comment: the same text as in the submission from Illumina Laboratory Services, Illumina above.

Clinical Genomics, Uppaluri K&H Personalized Medicine Clinic
Classification: Uncertain significance for Maturity-onset diabetes of the young. Review status: criteria provided, single submitter. Criteria: K & H Uppaluri Personalized Medicine Clinic Variant Classification & Assertion Criteria_Updated V.1. Collection method: research. Allele origin: somatic. Inheritance: Autosomal dominant inheritance.
Comment: Mutations in KCNJ11 gene can cause decreased production and secretion of insulin. This can lead to MODY which may be responsive to oral sulfonylureas. It is also associated with Neonatal Diabetes. However, no sufficient evidence is found to ascertain the role of this particular variant (rs193101892) in MODY yet.

Literature cited by the submitters: PubMed 26448950 (cited by Clinical Genomics, Uppaluri K&H Personalized Medicine Clinic); PubMed 15580558 (cited by Clinical Genomics, Uppaluri K&H Personalized Medicine Clinic); PubMed 15718250 (cited by Clinical Genomics, Uppaluri K&H Personalized Medicine Clinic); PubMed 32935446 (cited by Clinical Genomics, Uppaluri K&H Personalized Medicine Clinic); PubMed 22701567 (cited by Clinical Genomics, Uppaluri K&H Personalized Medicine Clinic).

NM_000525.4(KCNJ11):c.*766G>A

Gene: KCNJ11 (potassium inwardly rectifying channel subfamily J member 11; minus strand). Cytogenetic location: 11p15.1.
Variant type: single nucleotide variant.
Coding change: c.*766G>A on transcript NM_000525.4 (MANE Select); 766 bases downstream of the stop codon, G replaced by A.
Molecular consequence: 3 prime UTR variant.
Genome position (GRCh38, 1-based): chr11:17,386,153, C>T on the plus strand (G>A on the coding strand, the complement: KCNJ11 is on the minus strand). VCF-style: chr11-17386153-C-T. GRCh37 (hg19) VCF-style: chr11-17407700-C-T.
Other names: c.*766G>A (NM_001166290.2, NM_001377296.1, NM_001377297.1).
Identifiers: ClinVar variation 877520 (VCV000877520.30), dbSNP rs193101892, ClinGen allele CA218398459.